The following is an entry in ClinVar:

NM_000180.4(GUCY2D):c.856_876dup (p.Ser286_Leu292dup)

Gene: GUCY2D (guanylate cyclase 2D, retinal; plus strand). Cytogenetic location: 17p13.1.
Variant type: Duplication.
Coding change: c.856_876dup on transcript NM_000180.4 (MANE Select); coding-DNA positions 856 to 876, 21 bases duplicated (TCCCCAGGCCCGGAGGCCTTG).
Protein change: p.Ser286_Leu292dup.
Molecular consequence: inframe insertion.
Genome position (GRCh38, 1-based): chr17:8,003,986-8,004,006, TCCCCAGGCCCGGAGGCCTTG duplicated; duplicating any 21 consecutive bases within chr17:8,003,980-8,004,006 gives the same sequence; the c. name uses the placement nearest the transcript's 3' end. VCF-style (leftmost placement, unchanged base first): chr17-8003979-C-CGCCTTGTCCCCAGGCCCGGAG. GRCh37 (hg19) VCF-style: chr17-7907297-C-CGCCTTGTCCCCAGGCCCGGAG.
Identifiers: ClinVar variation 1434751 (VCV001434751.7), dbSNP rs2151799690, ClinGen allele CA2573154502.
Genomic context (GRCh38, chr17:8,003,979, plus strand): 5'-AGAGGAGCTGGGCCTGACCGATGGCTCCCTGGTCTTCCTGCCCTTCGACACGATCCACTA[C>CGCCTTGTCCCCAGGCCCGGAG]GCCTTGTCCCCAGGCCCGGAGGCCTTGGCCGCACTCGCCAACAGCTCCCAGCTTCGCAGG-3'

ClinVar aggregate classification (germline): Conflicting classifications of pathogenicity. Review status: criteria provided, conflicting classifications (1 of 4 stars). 2 submissions from 2 submitters: Likely pathogenic (1); Uncertain significance (1). Last evaluated 2024-05-03.

Conditions:
Cone-rod dystrophy 6 (CORD6). Also called: RETINAL CONE DYSTROPHY 2; Cone dystrophy progressive. Identifiers: Orphanet 1872, MedGen C1866293, MONDO:0011143, OMIM 601777.
Choroidal dystrophy, central areolar, 1. Identifiers: Orphanet 75377, MedGen C4551884, MONDO:0024539, OMIM 215500.
Night blindness, congenital stationary, type1i. Also called: NIGHT BLINDNESS, CONGENITAL STATIONARY, TYPE 1I. Identifiers: MedGen C5231408, MONDO:0032811, OMIM 618555.
Leber congenital amaurosis 1 (LCA1). Also called: RETINAL BLINDNESS, CONGENITAL; AMAUROSIS CONGENITA OF LEBER I; Congenital absence of the rods and cones; Leber's congenital tapetoretinal degeneration; Leber's congenital tapetoretinal dysplasia. Identifiers: Orphanet 65, MedGen C2931258, MONDO:0008764, OMIM 204000.

Submissions (2):

Fulgent Genetics
Classification: Likely pathogenic for Leber congenital amaurosis 1; Choroidal dystrophy, central areolar, 1; Cone-rod dystrophy 6; Night blindness, congenital stationary, type1i. Last evaluated: 2024-05-03. Review status: criteria provided, single submitter. Criteria: ACMG Guidelines, 2015. Collection method: clinical testing. Allele origin: germline.

Labcorp Genetics (formerly Invitae), Labcorp
Classification: Uncertain significance for Leber congenital amaurosis 1; Cone-rod dystrophy 6. Last evaluated: 2022-10-01. Review status: criteria provided, single submitter. Criteria: Invitae Variant Classification Sherloc (09022015). Collection method: clinical testing. Allele origin: germline.
Comment: Algorithms developed to predict the effect of sequence changes on RNA splicing suggest that this variant may create or strengthen a splice site. In summary, the available evidence is currently insufficient to determine the role of this variant in disease. Therefore, it has been classified as a Variant of Uncertain Significance. ClinVar contains an entry for this variant (Variation ID: 1434751). This variant has not been reported in the literature in individuals affected with GUCY2D-related conditions. This variant is not present in population databases (gnomAD no frequency). This variant, c.856_876dup, results in the insertion of 7 amino acid(s) of the GUCY2D protein (p.Ser286_Leu292dup), but otherwise preserves the integrity of the reading frame.